The following is an entry in ClinVar:

ClinVar aggregate classification (germline): Uncertain significance (1 of 4 stars; one submission).

Conditions:
Koolen-de Vries syndrome (KDVS). Identifiers: Orphanet 96169, MedGen C1864871, MONDO:0012496, OMIM 610443.

Submission:

Labcorp Genetics (formerly Invitae), Labcorp
Classification: Uncertain significance for Koolen-de Vries syndrome. Last evaluated: 2021-04-05. Review status: criteria provided, single submitter. Criteria: Invitae Variant Classification Sherloc (09022015). Collection method: clinical testing. Allele origin: germline.
Comment: In summary, the available evidence is currently insufficient to determine the role of this variant in disease. Therefore, it has been classified as a Variant of Uncertain Significance. This variant has not been reported in the literature in individuals with KANSL1-related conditions. This variant results in a copy number gain of the genomic region encompassing exons 5-15 of the KANSL1 gene. The 5' boundary is likely confined to intron 4. The 3' end of this event is unknown as it extends beyond the assayed region for this gene and therefore may encompass additional genes. As the precise location of this event is unknown, it may be in tandem or it may be located elsewhere in the genome.

NC_000017.10:g.(?_43861911)_(44145053_?)dup

Genes: CRHR1 (corticotropin releasing hormone receptor 1), KANSL1 (KAT8 regulatory NSL complex subunit 1), MAPT (microtubule associated protein tau), SPPL2C (signal peptide peptidase like 2C), STH (saitohin). Cytogenetic location: 17q21.31.
Variant type: Duplication.
Identifiers: ClinVar variation 1410324 (VCV001410324.4).